The following is an entry in ClinVar:

NM_005215.4(DCC):c.4229A>G (p.His1410Arg)

Gene: DCC (DCC netrin 1 receptor; plus strand). Cytogenetic location: 18q21.2.
Variant type: single nucleotide variant.
Coding change: c.4229A>G on transcript NM_005215.4 (MANE Select); coding-DNA position 4229, A replaced by G.
Protein change: p.His1410Arg; replaces histidine 1410 with arginine.
Molecular consequence: missense variant.
Genome position (GRCh38, 1-based): chr18:53,526,734, A>G. VCF-style: chr18-53526734-A-G. GRCh37 (hg19) VCF-style: chr18-51053104-A-G.
Other names: short protein forms H1410R.
Identifiers: ClinVar variation 1312241 (VCV001312241.2), dbSNP rs2144618178, ClinGen allele CA402519048.

ClinVar aggregate classification (germline): Uncertain significance (1 of 4 stars; one submission).

Allele frequency attached by ClinVar (database versions not stated): gnomAD exomes below 0.00001.
gnomAD v4.1: 2 of 1,613,478 alleles (0.00012%); highest among the groups gnomAD compares: South Asian, 0.0011%; no homozygotes.

Submission:

GeneDx
Classification: Uncertain significance. Last evaluated: 2019-09-19. Review status: criteria provided, single submitter. Criteria: GeneDx Variant Classification Process June 2021. Collection method: clinical testing. Allele origin: germline. Affected: yes.
Comment: Has not been previously published as pathogenic or benign to our knowledge; Not observed in large population cohorts (Lek et al., 2016); In silico analysis, which includes protein predictors and evolutionary conservation, supports that this variant does not alter protein structure/function